The following is an entry in ClinVar:

ClinVar aggregate classification (germline): Uncertain significance (1 of 4 stars; one submission).

Submission:

Greenwood Genetic Center Diagnostic Laboratories, Greenwood Genetic Center
Classification: Uncertain significance. Last evaluated: 2024-01-12. Review status: criteria provided, single submitter. Criteria: ACMG Guidelines, 2015. Collection method: clinical testing. Allele origin: germline. Affected: yes.
Comment: Gene of Uncertain Significance

NM_015080.4(NRXN2):c.2419A>C (p.Lys807Gln)

Gene: NRXN2 (neurexin 2; minus strand). Cytogenetic location: 11q13.1.
Variant type: single nucleotide variant.
Coding change: c.2419A>C on transcript NM_015080.4 (MANE Select); coding-DNA position 2419, A replaced by C.
Protein change: p.Lys807Gln; replaces lysine 807 with glutamine.
Molecular consequence: missense variant.
Genome position (GRCh38, 1-based): chr11:64,652,152, T>G on the plus strand (A>C on the coding strand, the complement: NRXN2 is on the minus strand). VCF-style: chr11-64652152-T-G. GRCh37 (hg19) VCF-style: chr11-64419624-T-G.
Other names: c.2419A>C, p.Lys807Gln (NM_001376262.1); c.2398A>C, p.Lys800Gln (NM_001376263.1, NM_001376267.1); c.2374A>C, p.Lys792Gln (NM_001376265.1); c.2395A>C, p.Lys799Gln (NM_001376266.1); c.2299A>C, p.Lys767Gln (NM_138732.3); short protein forms K767Q, K792Q, K799Q, K800Q, K807Q.
Identifiers: ClinVar variation 3235835 (VCV003235835.1), dbSNP rs2495970860, ClinGen allele CA381116459.